The following is an entry in ClinVar:

NM_000038.6(APC):c.3783T>C (p.Thr1261=)

Gene: APC (APC regulator of Wnt signaling pathway; plus strand). Cytogenetic location: 5q22.2.
Variant type: single nucleotide variant.
Coding change: c.3783T>C on transcript NM_000038.6 (MANE Select); coding-DNA position 3783, T replaced by C.
Protein change: p.Thr1261=; no amino-acid change (threonine 1261 retained).
Molecular consequence: synonymous variant. On other transcripts: non-coding transcript variant (2).
Genome position (GRCh38, 1-based): chr5:112,839,377, T>C. VCF-style: chr5-112839377-T-C. GRCh37 (hg19) VCF-style: chr5-112175074-T-C.
Other names: c.3783T>C, p.Thr1261= (NM_001127510.3, NM_001354895.2, NM_001407450.1); c.3729T>C, p.Thr1243= (NM_001127511.3); c.3837T>C, p.Thr1279= (NM_001354896.2, NM_001407447.1, NM_001407448.1 and 1 more transcripts); c.3813T>C, p.Thr1271= (NM_001354897.2); c.3708T>C, p.Thr1236= (NM_001354898.2); c.3699T>C, p.Thr1233= (NM_001354899.2); c.3660T>C, p.Thr1220= (NM_001354900.2); c.3606T>C, p.Thr1202= (NM_001354901.2, NM_001407453.1); and 12 more.
Identifiers: ClinVar variation 3148117 (VCV003148117.2), dbSNP rs1765520410, ClinGen allele CA445963694.

ClinVar aggregate classification (germline): Benign/Likely benign. Review status: criteria provided, multiple submitters, no conflicts (2 of 4 stars). 2 submissions from 2 submitters: Benign (1); Likely benign (1). Last evaluated 2025-04-07.

Conditions:
Familial adenomatous polyposis 1 (FAP1). Also called: POLYPOSIS, ADENOMATOUS INTESTINAL; FAMILIAL ADENOMATOUS POLYPOSIS 1, ATTENUATED. Identifiers: MedGen C2713442, MONDO:0021056, OMIM 175100. Disease mechanism: loss of function.
Hereditary cancer-predisposing syndrome. Also called: Neoplastic Syndromes, Hereditary; Tumor predisposition; Hereditary neoplastic syndrome; Hereditary Cancer Syndrome. Identifiers: Orphanet 140162, MedGen C0027672, MeSH D009386, MONDO:0015356.

Submissions (2):

Ambry Genetics
Classification: Likely benign for Hereditary cancer-predisposing syndrome. Last evaluated: 2025-04-07. Review status: criteria provided, single submitter. Criteria: Ambry Variant Classification Scheme 2023. Collection method: clinical testing. Allele origin: germline.

Myriad Genetics, Inc.
Classification: Benign for Familial adenomatous polyposis 1. Last evaluated: 2024-03-22. Review status: criteria provided, single submitter. Criteria: Myriad Autosomal Dominant, Autosomal Recessive and X-Linked Classification Criteria (2023). Collection method: clinical testing. Allele origin: unknown.
Comment: This variant is considered benign. This variant is a silent/synonymous amino acid change and it is not expected to impact splicing.